The following is an entry in ClinVar:

NM_017780.4(CHD7):c.8614G>A (p.Gly2872Arg)

Gene: CHD7 (chromodomain helicase DNA binding protein 7; plus strand). Cytogenetic location: 8q12.2.
Variant type: single nucleotide variant.
Coding change: c.8614G>A on transcript NM_017780.4 (MANE Select); coding-DNA position 8614, G replaced by A.
Protein change: p.Gly2872Arg; replaces glycine 2872 with arginine.
Molecular consequence: missense variant.
Genome position (GRCh38, 1-based): chr8:60,865,553, G>A. VCF-style: chr8-60865553-G-A. GRCh37 (hg19) VCF-style: chr8-61778112-G-A.
Other names: c.2467G>A, p.Gly823Arg (NM_001316690.1); short protein forms G2872R, G823R.
Identifiers: ClinVar variation 3666526 (VCV003666526.2).

ClinVar aggregate classification (germline): Uncertain significance (1 of 4 stars; one submission).

Conditions:
CHARGE syndrome (CHARGE). Also called: Hittner Hirsch Kreh syndrome; CHARGE ASSOCIATION--COLOBOMA, HEART ANOMALY, CHOANAL ATRESIA, RETARDATION, GENITAL AND EAR ANOMALIES; Coloboma, heart anomaly, choanal atresia, retardation, genital and ear anomalies; CHARGE association; Hall-Hittner syndrome. Identifiers: Orphanet 138, MedGen C0265354, MONDO:0008965.

gnomAD v4.1: 1 of 1,614,068 alleles (0.000062%); highest among the groups gnomAD compares: Non-Finnish European, 0.000085%; no homozygotes.

Submission:

Labcorp Genetics (formerly Invitae), Labcorp
Classification: Uncertain significance for CHARGE syndrome. Last evaluated: 2024-10-08. Review status: criteria provided, single submitter. Criteria: Invitae Variant Classification Sherloc (09022015). Collection method: clinical testing. Allele origin: germline.
Comment: This sequence change replaces glycine, which is neutral and non-polar, with arginine, which is basic and polar, at codon 2872 of the CHD7 protein (p.Gly2872Arg). This variant is not present in population databases (gnomAD no frequency). This variant has not been reported in the literature in individuals affected with CHD7-related conditions. Invitae Evidence Modeling of protein sequence and biophysical properties (such as structural, functional, and spatial information, amino acid conservation, physicochemical variation, residue mobility, and thermodynamic stability) indicates that this missense variant is not expected to disrupt CHD7 protein function with a negative predictive value of 95%. In summary, the available evidence is currently insufficient to determine the role of this variant in disease. Therefore, it has been classified as a Variant of Uncertain Significance.